The following is an entry in ClinVar:

ClinVar aggregate classification (germline): Pathogenic (1 of 4 stars; one submission).

Conditions:
BCS1L-related disorder. Also called: BCS1L-related condition; BCS1L-related disorders. Identifiers: MedGen CN239240.

Submission:

Myriad Genetics, Inc.
Classification: Pathogenic for BCS1L-related disorder. Last evaluated: 2023-11-18. Review status: criteria provided, single submitter. Criteria: Myriad Autosomal Dominant, Autosomal Recessive and X-Linked Classification Criteria (2023). Collection method: clinical testing. Allele origin: unknown.
Comment: NM_004328.4(BCS1L):c.274delT(S92Pfs*24) is expected to be pathogenic in the context of BCS1L-related disorders. This variant is predicted to lead to an abnormal or absent protein product due to the creation of a premature termination codon in BCS1L, a gene where loss-of-function variants are known to be pathogenic. Please note: this variant was assessed in the context of healthy population screening.

NM_001079866.2(BCS1L):c.274del (p.Ser92fs)

Gene: BCS1L (BCS1 ubiquinol-cytochrome c reductase complex chaperone; plus strand). Cytogenetic location: 2q35.
Variant type: Deletion.
Coding change: c.274del on transcript NM_001079866.2 (MANE Select); coding-DNA position 274, one base deleted (T; older notation c.274delT).
Protein change: p.Ser92fs; shifts the reading frame from serine 92.
Molecular consequence: frameshift variant. On other transcripts: 5 prime UTR variant (5), non-coding transcript variant (1), intron variant (3).
Genome position (GRCh38, 1-based): chr2:218,661,261, T deleted; the last of 3 consecutive T bases (chr2:218,661,259-218,661,261); deleting any one gives the same sequence. VCF-style (leftmost placement, unchanged base first): chr2-218661258-AT-A. GRCh37 (hg19) VCF-style: chr2-219525981-AT-A.
Other names: c.274del, p.Ser92fs (NM_001257342.2, NM_001257343.2, NM_001257344.2 and 10 more transcripts); c.-203del (NM_001371453.1, NM_001371454.1, NM_001371455.1 and 2 more transcripts); c.-40-145del (NM_001371451.1, NM_001318836.2); c.-41-498del (NM_001371452.1); short protein forms S92fs.
Identifiers: ClinVar variation 5012494 (VCV005012494.1).